The following is an entry in ClinVar:

ClinVar aggregate classification (germline): Uncertain significance (1 of 4 stars; one submission).

Allele frequency attached by ClinVar (database versions not stated): gnomAD 0.00001; TOPMed 0.00002; ExAC 0.00003; ESP Exome Variant Server 0.00008.
gnomAD v4.1: 31 of 1,613,908 alleles (0.0019%); highest among the groups gnomAD compares: Non-Finnish European, 0.0025%; no homozygotes.

Submission:

Women's Health and Genetics/Laboratory Corporation of America, LabCorp
Classification: Uncertain significance. Last evaluated: 2023-10-13. Review status: criteria provided, single submitter. Criteria: LabCorp Variant Classification Summary - May 2015. Collection method: clinical testing. Allele origin: germline.
Comment: Variant summary: COL4A2 c.1894C>T (p.Arg632Cys) results in a non-conservative amino acid change in the encoded protein sequence. Five of five in-silico tools predict a damaging effect of the variant on protein function. The variant allele was found at a frequency of 1.6e-05 in 247100 control chromosomes (gnomAD). The available data on variant occurrences in the general population are insufficient to allow any conclusion about variant significance. To our knowledge, no occurrence of c.1894C>T in individuals affected with Porencephaly 2 and no experimental evidence demonstrating its impact on protein function have been reported. No submitters have cited clinical-significance assessments for this variant to ClinVar after 2014. Based on the evidence outlined above, the variant was classified as uncertain significance.

NM_001846.4(COL4A2):c.1894C>T (p.Arg632Cys)

Gene: COL4A2 (collagen type IV alpha 2 chain; plus strand). Cytogenetic location: 13q34.
Variant type: single nucleotide variant.
Coding change: c.1894C>T on transcript NM_001846.4 (MANE Select); coding-DNA position 1894, C replaced by T.
Protein change: p.Arg632Cys; replaces arginine 632 with cysteine.
Molecular consequence: missense variant.
Genome position (GRCh38, 1-based): chr13:110,465,522, C>T. VCF-style: chr13-110465522-C-T. GRCh37 (hg19) VCF-style: chr13-111117869-C-T.
Other names: short protein forms R632C.
Identifiers: ClinVar variation 2637718 (VCV002637718.1), dbSNP rs369462083, ClinGen allele CA7049741.